The following is an entry in ClinVar:

ClinVar aggregate classification (germline): Uncertain significance (1 of 4 stars; one submission).

Conditions:
Hereditary cancer-predisposing syndrome. Also called: Neoplastic Syndromes, Hereditary; Tumor predisposition; Hereditary neoplastic syndrome; Hereditary Cancer Syndrome. Identifiers: Orphanet 140162, MedGen C0027672, MeSH D009386, MONDO:0015356.

Submission:

Ambry Genetics
Classification: Uncertain significance for Hereditary cancer-predisposing syndrome. Last evaluated: 2024-02-27. Review status: criteria provided, single submitter. Criteria: Ambry Variant Classification Scheme 2023. Collection method: clinical testing. Allele origin: germline.
Comment: The p.L521I variant (also known as c.1561C>A), located in coding exon 17 of the RB1 gene, results from a C to A substitution at nucleotide position 1561. The leucine at codon 521 is replaced by isoleucine, an amino acid with highly similar properties. This amino acid position is conserved. In addition, this alteration is predicted to be tolerated by in silico analysis. Based on the available evidence, the clinical significance of this alteration remains unclear.

NM_000321.3(RB1):c.1561C>A (p.Leu521Ile)

Gene: RB1 (RB transcriptional corepressor 1; plus strand). Cytogenetic location: 13q14.2.
Variant type: single nucleotide variant.
Coding change: c.1561C>A on transcript NM_000321.3 (MANE Select); coding-DNA position 1561, C replaced by A.
Protein change: p.Leu521Ile; replaces leucine 521 with isoleucine.
Molecular consequence: missense variant.
Genome position (GRCh38, 1-based): chr13:48,381,309, C>A. VCF-style: chr13-48381309-C-A. GRCh37 (hg19) VCF-style: chr13-48955445-C-A.
Other names: c.1561C>A, p.Leu521Ile (NM_001407165.1, NM_001407166.1); short protein forms L521I.
Identifiers: ClinVar variation 3231193 (VCV003231193.1), dbSNP rs2138145123, ClinGen allele CA388163522.